The following is an entry in ClinVar:

ClinVar aggregate classification (germline): Uncertain significance. Review status: criteria provided, multiple submitters, no conflicts (2 of 4 stars). 3 submissions from 3 submitters: Uncertain significance (3). Last evaluated 2024-06-25.

Conditions:
Alstrom syndrome (ALMS). Identifiers: Orphanet 64, MedGen C0268425, MONDO:0008763, OMIM 203800.

Allele frequency attached by ClinVar (database versions not stated): gnomAD exomes 0.00001; ExAC 0.00002.
gnomAD v4.1: 3 of 1,613,734 alleles (0.00019%); highest among the groups gnomAD compares: Admixed American, 0.005%; no homozygotes.

Submissions (3):

GeneDx
Classification: Uncertain significance. Last evaluated: 2024-06-25. Review status: criteria provided, single submitter. Criteria: GeneDx Variant Classification Process June 2021. Collection method: clinical testing. Allele origin: germline. Affected: yes.
Comment: Not observed at significant frequency in large population cohorts (gnomAD); Has not been previously published as pathogenic or benign to our knowledge; In silico analysis does not support a benign or deleterious effect of this variant on protein structure/function

Fulgent Genetics
Classification: Uncertain significance for Alstrom syndrome. Last evaluated: 2022-04-26. Review status: criteria provided, single submitter. Criteria: ACMG Guidelines, 2015. Collection method: clinical testing. Allele origin: unknown.

Labcorp Genetics (formerly Invitae), Labcorp
Classification: Uncertain significance for Alstrom syndrome. Last evaluated: 2021-08-27. Review status: criteria provided, single submitter. Criteria: Invitae Variant Classification Sherloc (09022015). Collection method: clinical testing. Allele origin: germline.

NM_001378454.1(ALMS1):c.5323G>C (p.Asp1775His)

Gene: ALMS1 (ALMS1 centrosome and basal body associated protein; plus strand). Cytogenetic location: 2p13.1.
Variant type: single nucleotide variant.
Coding change: c.5323G>C on transcript NM_001378454.1 (MANE Select); coding-DNA position 5323, G replaced by C.
Protein change: p.Asp1775His; replaces aspartic acid 1775 with histidine.
Molecular consequence: missense variant.
Genome position (GRCh38, 1-based): chr2:73,451,850, G>C. VCF-style: chr2-73451850-G-C. GRCh37 (hg19) VCF-style: chr2-73678977-G-C.
Other names: c.5326G>C, p.Asp1776His (NM_015120.4); short protein forms D1776H, D1775H.
Identifiers: ClinVar variation 657165 (VCV000657165.6), dbSNP rs747341054, ClinGen allele CA1713863.